The following is an entry in ClinVar:

ClinVar aggregate classification (germline): Uncertain significance (1 of 4 stars; one submission).

Conditions:
Inborn genetic diseases. Identifiers: MedGen C0950123, MeSH D030342.

Submission:

Ambry Genetics
Classification: Uncertain significance for Inborn genetic diseases. Last evaluated: 2026-07-11. Review status: criteria provided, single submitter. Criteria: Ambry Variant Classification Scheme 2023. Collection method: clinical testing. Allele origin: germline.
Comment: The p.E474K variant (also known as c.1420G>A), located in coding exon 1 of the SAMD9L gene, results from a G to A substitution at nucleotide position 1420. The glutamic acid at codon 474 is replaced by lysine, an amino acid with similar properties. This amino acid position is conserved. In addition, this alteration is predicted to be tolerated by in silico analysis. Based on the available evidence, the clinical significance of this variant remains unclear.

NM_152703.5(SAMD9L):c.1420G>A (p.Glu474Lys)

Gene: SAMD9L (sterile alpha motif domain containing 9 like; minus strand). Cytogenetic location: 7q21.2.
Variant type: single nucleotide variant.
Coding change: c.1420G>A on transcript NM_152703.5 (MANE Select); coding-DNA position 1420, G replaced by A.
Protein change: p.Glu474Lys; replaces glutamic acid 474 with lysine.
Molecular consequence: missense variant.
Genome position (GRCh38, 1-based): chr7:93,134,552, C>T on the plus strand (G>A on the coding strand, the complement: SAMD9L is on the minus strand). VCF-style: chr7-93134552-C-T. GRCh37 (hg19) VCF-style: chr7-92763865-C-T.
Other names: c.1420G>A, p.Glu474Lys (NM_001303496.3, NM_001303497.3, NM_001303498.3 and 5 more transcripts); short protein forms E474K.
Identifiers: ClinVar variation 5028883 (VCV005028883.1).
Genomic context (GRCh38, chr7:93,134,552, plus strand): 5'-TGGGCTGTTGGTAAAGATTAAGAGTAGAAATCTTCTCCCACATGTTAGTTGTCTTGTCTT[C>T]ATATTGATTTGGAAAGTGAAGGTTTGCCACCCGACTTTCTTTGTAAGCTTTGACCACTCC-3'
Protein context (NP_689916.2, residues 464-484): VANLHFPNQY[Glu474Lys]DKTTNMWEKI